The following is an entry in ClinVar:

ClinVar aggregate classification (germline): Benign/Likely benign. Review status: criteria provided, multiple submitters, no conflicts (2 of 4 stars). 12 submissions from 12 submitters: Benign (5); Likely benign (2). 5 of the submissions do not count toward it. Last evaluated 2026-02-04.

Conditions:
Hereditary spastic paraplegia. Also called: Familial spastic paraparesis. Identifiers: Orphanet 685, MedGen C0037773, MONDO:0019064. Disease mechanism: loss of function.
Charlevoix-Saguenay spastic ataxia (SACS). Also called: SPASTIC ATAXIA 6, AUTOSOMAL RECESSIVE; AUTOSOMAL RECESSIVE SPASTIC ATAXIA OF CHARLEVOIX-SAGUENAY; Spastic ataxia of Charlevoix-Saguenay. Identifiers: Orphanet 98, MedGen C1849140, MONDO:0010041, OMIM 270550.
Spastic paraplegia. Identifiers: MedGen C0037772, HP:0001258.

Allele frequency attached by ClinVar (database versions not stated): ESP Exome Variant Server 0.20455; gnomAD 0.21736 and 0.22584; TOPMed 0.22940; 1000 Genomes Project 30x 0.25141; 1000 Genomes Project 0.25839; gnomAD exomes 0.26607 and 0.28677; ExAC 0.27797.
gnomAD v4.1: 422,864 of 1,613,452 alleles (26%); highest among the groups gnomAD compares: Admixed American, 36%; 58,017 homozygotes.

Submissions (12):

Labcorp Genetics (formerly Invitae), Labcorp
Classification: Benign for Spastic paraplegia. Last evaluated: 2026-02-04. Review status: criteria provided, single submitter. Criteria: Invitae Variant Classification Sherloc (09022015). Collection method: clinical testing. Allele origin: germline.

Blueprint Genetics
Classification: Likely benign. Last evaluated: 2024-11-27. Review status: criteria provided, single submitter. Criteria: ACMG Guidelines, 2015. Collection method: clinical testing. Allele origin: germline.

Genome-Nilou Lab
Classification: Benign for Charlevoix-Saguenay spastic ataxia. Last evaluated: 2021-07-01. Review status: criteria provided, single submitter. Criteria: ACMG Guidelines, 2015. Collection method: clinical testing. Allele origin: germline. Affected: no.

GeneDx
Classification: Benign. Last evaluated: 2018-07-17. Review status: criteria provided, single submitter. Criteria: GeneDx Variant Classification Process June 2021. Collection method: clinical testing. Allele origin: germline. Affected: yes.

Genome Diagnostics Laboratory, The Hospital for Sick Children
Classification: Benign for Hereditary spastic paraplegia. Last evaluated: 2016-12-12. Review status: criteria provided, single submitter. Criteria: ACMG Guidelines, 2015. Collection method: clinical testing. Allele origin: germline. Affected: yes.

Breakthrough Genomics
Classification: Likely benign. Review status: criteria provided, single submitter. Criteria: ACMG Guidelines, 2015. Collection method: not provided. Allele origin: germline. Inheritance: Autosomal recessive inheritance. Affected: yes.

PreventionGenetics, part of Exact Sciences
Classification: Benign. Review status: criteria provided, single submitter. Criteria: ACMG Guidelines, 2015. Collection method: clinical testing. Allele origin: germline.

Natera, Inc.
Classification: Benign for Charlevoix-Saguenay type spastic ataxia. Last evaluated: 2019-11-19. Review status: no assertion criteria provided. Collection method: clinical testing. Allele origin: germline. Not counted in ClinVar's aggregate classification.

Mayo Clinic Laboratories, Mayo Clinic
Classification: Benign. Last evaluated: 2016-02-19. Review status: no assertion criteria provided. Collection method: clinical testing. Allele origin: unknown. Not counted in ClinVar's aggregate classification.

Clinical Genetics DNA and cytogenetics Diagnostics Lab, Erasmus MC, Erasmus Medical Center
Classification: Benign. Review status: no assertion criteria provided. Collection method: clinical testing. Allele origin: germline. Affected: yes. Study: VKGL Data-share Consensus. Not counted in ClinVar's aggregate classification.

Genetic Services Laboratory, University of Chicago
Classification: Likely benign for AllHighlyPenetrant. Review status: no assertion criteria provided. Collection method: clinical testing. Allele origin: germline. Inheritance: Autosomal recessive inheritance. Not counted in ClinVar's aggregate classification.
Comment: Likely benign based on allele frequency in 1000 Genomes Project or ESP global frequency and its presence in a patient with a rare or unrelated disease phenotype. NOT Sanger confirmed.

Genome Diagnostics Laboratory, University Medical Center Utrecht
Classification: Benign. Review status: no assertion criteria provided. Collection method: clinical testing. Allele origin: germline. Affected: yes. Study: VKGL Data-share Consensus. Not counted in ClinVar's aggregate classification.

NM_014363.6(SACS):c.12304T>C (p.Leu4102=)

Gene: SACS (sacsin molecular chaperone; minus strand). Cytogenetic location: 13q12.12.
Variant type: single nucleotide variant.
Coding change: c.12304T>C on transcript NM_014363.6 (MANE Select); coding-DNA position 12304, T replaced by C.
Protein change: p.Leu4102=; no amino-acid change (leucine 4102 retained).
Molecular consequence: synonymous variant.
Genome position (GRCh38, 1-based): chr13:23,331,572, A>G on the plus strand (T>C on the coding strand, the complement: SACS is on the minus strand). VCF-style: chr13-23331572-A-G. GRCh37 (hg19) VCF-style: chr13-23905711-A-G.
Other names: c.11863T>C, p.Leu3955= (NM_001278055.2).
Identifiers: ClinVar variation 130201 (VCV000130201.37), dbSNP rs2737699, ClinGen allele CA155040.
Genomic context (GRCh38, chr13:23,331,572, plus strand): 5'-CAATTAAATATGAAGTGTCAGAAATCAAATTGTCAGTTGCTGATTTAAGAGTCATTGCCA[A>G]TGCTAACAGGAAATTAATGTCTTTACTGTCTGAATGTTGAATGTAGAGCAAGATGACTGC-3'
Protein context (NP_055178.3, residues 4092-4112): DSKDINFLLA[Leu4102=]AMTLKSATDN